The following is an entry in ClinVar:

ClinVar aggregate classification (germline): Uncertain significance (1 of 4 stars; one submission).

Conditions:
Rhabdoid tumor predisposition syndrome 2 (RTPS2). Identifiers: Orphanet 231108, Orphanet 69077, MedGen C2750074, MONDO:0013224, OMIM 613325.

Submission:

Labcorp Genetics (formerly Invitae), Labcorp
Classification: Uncertain significance for Rhabdoid tumor predisposition syndrome 2. Last evaluated: 2025-10-02. Review status: criteria provided, single submitter. Criteria: Invitae Variant Classification Sherloc (09022015). Collection method: clinical testing. Allele origin: germline.
Comment: This sequence change replaces cysteine, which is neutral and slightly polar, with tryptophan, which is neutral and slightly polar, at codon 998 of the SMARCA4 protein (p.Cys998Trp). This variant is not present in population databases (gnomAD no frequency). This variant has not been reported in the literature in individuals affected with SMARCA4-related conditions. Invitae Evidence Modeling of protein sequence and biophysical properties (such as structural, functional, and spatial information, amino acid conservation, physicochemical variation, residue mobility, and thermodynamic stability) indicates that this missense variant is expected to disrupt SMARCA4 protein function with a positive predictive value of 95%. In summary, the available evidence is currently insufficient to determine the role of this variant in disease. Therefore, it has been classified as a Variant of Uncertain Significance.

NM_003072.5(SMARCA4):c.2994C>G (p.Cys998Trp)

Gene: SMARCA4 (SWI/SNF related BAF chromatin remodeling complex subunit ATPase 4; plus strand). Cytogenetic location: 19p13.2.
Variant type: single nucleotide variant.
Coding change: c.2994C>G on transcript NM_003072.5 (MANE Select); coding-DNA position 2994, C replaced by G.
Protein change: p.Cys998Trp; replaces cysteine 998 with tryptophan.
Molecular consequence: missense variant. On other transcripts: non-coding transcript variant (1).
Genome position (GRCh38, 1-based): chr19:11,024,351, C>G. VCF-style: chr19-11024351-C-G. GRCh37 (hg19) VCF-style: chr19-11135027-C-G.
Other names: c.2994C>G, p.Cys998Trp (NM_001128844.3, NM_001128845.2, NM_001128846.2 and 6 more transcripts); short protein forms C998W.
Identifiers: ClinVar variation 4802572 (VCV004802572.1).